The following is an entry in ClinVar:

NM_000322.5(PRPH2):c.635G>C (p.Ser212Thr)

Gene: PRPH2 (peripherin 2; minus strand). Cytogenetic location: 6p21.1.
Variant type: single nucleotide variant.
Coding change: c.635G>C on transcript NM_000322.5 (MANE Select); coding-DNA position 635, G replaced by C.
Protein change: p.Ser212Thr; replaces serine 212 with threonine.
Molecular consequence: missense variant.
Genome position (GRCh38, 1-based): chr6:42,704,558, C>G on the plus strand (G>C on the coding strand, the complement: PRPH2 is on the minus strand). VCF-style: chr6-42704558-C-G. GRCh37 (hg19) VCF-style: chr6-42672296-C-G.
Other names: short protein forms S212T.
Identifiers: ClinVar variation 98690 (VCV000098690.53), dbSNP rs61755801, ClinGen allele CA226275.

ClinVar aggregate classification (germline): Pathogenic/Likely pathogenic. Review status: criteria provided, multiple submitters, no conflicts (2 of 4 stars). 9 submissions from 9 submitters: Pathogenic (2); Likely pathogenic (4). 3 of the submissions do not count toward it. Last evaluated 2025-03-25.

Conditions:
PRPH2-related disorder. Also called: PRPH2-related condition; PRPH2-related disorders. Identifiers: MedGen CN239395.
Retinal dystrophy. Also called: Inherited retinal dystrophy. Identifiers: Orphanet 71862, MedGen C0854723, MeSH D058499, MONDO:0019118, HP:0000556.
Patterned macular dystrophy 1. Also called: MACULAR DYSTROPHY, BUTTERFLY-SHAPED PIGMENTARY; BUTTERFLY DYSTROPHY OF RETINAL PIGMENT EPITHELIUM. Identifiers: Orphanet 99001, MedGen C4551999, MONDO:0008210, OMIM 169150.
Vitelliform macular dystrophy 2. Also called: Best vitelliform macular dystrophy, multifocal; MACULAR DEGENERATION, POLYMORPHIC VITELLINE; VITELLIFORM MACULAR DYSTROPHY, EARLY-ONSET; VITELLIFORM MACULAR DYSTROPHY, JUVENILE-ONSET; Best Macular Dystrophy; Best Vitelliform Macular Dystrophy (BVMD). Identifiers: Orphanet 1243, MedGen C2745945, MONDO:0007931, OMIM 153700.
Adult-onset foveomacular vitelliform dystrophy. Also called: FOVEOMACULAR DYSTROPHY, ADULT-ONSET; Adult onset vitelliform dystrophy; FOVEOMACULAR DYSTROPHY, ADULT-ONSET, WITH OR WITHOUT CHOROIDAL NEOVASCULARIZATION. Identifiers: Orphanet 99000, MedGen C1842914, MONDO:0011979.

Submissions (9):

Labcorp Genetics (formerly Invitae), Labcorp
Classification: Pathogenic for PRPH2-related disorder. Last evaluated: 2025-03-25. Review status: criteria provided, single submitter. Criteria: Invitae Variant Classification Sherloc (09022015). Collection method: clinical testing. Allele origin: germline.
Comment: This sequence change replaces serine, which is neutral and polar, with threonine, which is neutral and polar, at codon 212 of the PRPH2 protein (p.Ser212Thr). This variant is not present in population databases (gnomAD no frequency). This missense change has been observed in individuals with adult onset vitilliform dystrophy, Best disease, and/or macular dystrophy (PMID: 9338584, 25082885, 26796962, 31456290, 32531846). ClinVar contains an entry for this variant (Variation ID: 98690). Invitae Evidence Modeling of protein sequence and biophysical properties (such as structural, functional, and spatial information, amino acid conservation, physicochemical variation, residue mobility, and thermodynamic stability) indicates that this missense variant is expected to disrupt PRPH2 protein function with a positive predictive value of 95%. This variant disrupts the p.Ser212 amino acid residue in PRPH2. Other variant(s) that disrupt this residue have been determined to be pathogenic (PMID: 1427912, 18050133; internal data). This suggests that this residue is clinically significant, and that variants that disrupt this residue are likely to be disease-causing. For these reasons, this variant has been classified as Pathogenic.

NEI Ophthalmic Genomics Laboratory, National Institutes of Health
Classification: Likely pathogenic for Vitelliform macular dystrophy 2. Last evaluated: 2020-01-07. Review status: criteria provided, single submitter. Criteria: ACMG Guidelines, 2015. Collection method: clinical testing. Allele origin: germline. Affected: yes.
Comment: The variant NM_000322.4:c.635G>C in the PRPH2 gene has been previously studied(PMIDs 9338584, 25082885, 26796962). This variant is listed in dbSNP and/or HGMD (rs61755801,CM971289). It is absent in gnomAD browser. It is not enriched in the PRPH2 disease cohort. We invoked ACMG criteria [PM2, PM1, PM5, PP3] and classified NM_000322.4:c.635G>C in the PRPH2 gene as a Likely Pathogenic mutation.

CeGaT Center for Human Genetics Tuebingen
Classification: Likely pathogenic. Last evaluated: 2019-08-01. Review status: criteria provided, single submitter. Criteria: CeGaT Center For Human Genetics Tuebingen Variant Classification Criteria Version 2. Collection method: clinical testing. Allele origin: germline. Affected: yes. Observed: 1 variant allele.

Mendelics
Classification: Pathogenic for Patterned macular dystrophy 1. Last evaluated: 2019-05-28. Review status: criteria provided, single submitter. Criteria: Mendelics Assertion Criteria 2017. Collection method: clinical testing. Allele origin: unknown.

Blueprint Genetics
Classification: Likely pathogenic for PRPH2-related disorders. Last evaluated: 2018-11-08. Review status: criteria provided, single submitter. Criteria: ACMG Guidelines, 2015. Collection method: clinical testing. Allele origin: germline. Affected: yes. Observed: 1 variant allele.

Institute of Human Genetics, Univ. Regensburg, Univ. Regensburg
Classification: Likely pathogenic for Retinal dystrophy. Last evaluated: 2015-01-01. Review status: criteria provided, single submitter. Criteria: ACMG Guidelines, 2015. Collection method: clinical testing. Allele origin: germline. Affected: yes.

Leiden Open Variation Database
Classification: Likely pathogenic. Last evaluated: 2021-04-06. Review status: no assertion criteria provided. Collection method: curation. Allele origin: germline. Affected: yes. Not counted in ClinVar's aggregate classification.
Comment: Curator: Global Variome, with Curator vacancy. Submitters to LOVD: Global Variome, with Curator vacancy, Manon Peeters.

Sharon lab, Hadassah-Hebrew University Medical Center
Classification: Likely pathogenic for Adult onset vitelliform dystrophy. Last evaluated: 2019-06-23. Review status: no assertion criteria provided. Collection method: research. Allele origin: inherited. Affected: yes. Not counted in ClinVar's aggregate classification.

Retina International
No classification provided. Review status: no classification provided. Collection method: not provided. Allele origin: not provided. Not counted in ClinVar's aggregate classification.

Literature cited by the submitters: PubMed 9338584 (cited by 3 submitters); PubMed 25082885 (cited by 3 submitters); PubMed 26796962 (cited by Labcorp Genetics (formerly Invitae), Labcorp and Institute of Human Genetics, Univ. Regensburg, Univ. Regensburg); PubMed 31456290 (cited by 3 submitters); PubMed 32531846 (cited by 3 submitters); PubMed 1427912 (cited by Labcorp Genetics (formerly Invitae), Labcorp); PubMed 18050133 (cited by Labcorp Genetics (formerly Invitae), Labcorp); PubMed 34411390 (cited by Institute of Human Genetics, Univ. Regensburg, Univ. Regensburg); PubMed 19038374 (cited by Leiden Open Variation Database).